The following is an entry in ClinVar:

ClinVar aggregate classification (germline): Benign. Review status: criteria provided, multiple submitters, no conflicts (2 of 4 stars). 2 submissions from 2 submitters: Benign (2). Last evaluated 2018-01-13.

Conditions:
Pyridoxal phosphate-responsive seizures (PNPOD). Also called: Pyridoxal 5'-Phosphate (PLP)-Dependent Epilepsy; EPILEPTIC ENCEPHALOPATHY, NEONATAL, PNPO-RELATED; Pyridoxamine 5-Prime-Phosphate Oxidase Deficiency; Pyridoxine-5'-phosphate oxidase deficiency; SEIZURES, PYRIDOXINE-RESISTANT, PLP-SENSITIVE. Identifiers: Orphanet 79096, MedGen C1864723, MONDO:0012407, OMIM 610090. Disease mechanism: loss of function.

Allele frequency attached by ClinVar (database versions not stated): 1000 Genomes Project 0.02915; gnomAD 0.03135 and 0.03212; TOPMed 0.03207; gnomAD exomes 0.04240; 1000 Genomes Project 30x 0.02873.
gnomAD v4.1: 41,561 of 1,015,554 alleles (4.1%); highest among the groups gnomAD compares: South Asian, 6.8%; 1,083 homozygotes.

Submissions (10):

Illumina Laboratory Services, Illumina
Classification: Benign for Pyridoxal phosphate-responsive seizures. Last evaluated: 2018-01-13. Review status: criteria provided, single submitter. Criteria: ICSL Variant Classification Criteria 13 December 2019. Collection method: clinical testing. Allele origin: germline.
Comment: This variant was observed in the ICSL laboratory as part of a predisposition screen in an ostensibly healthy population. It had not been previously curated by ICSL or reported in the Human Gene Mutation Database (HGMD: prior to June 1st, 2018), and was therefore a candidate for classification through an automated scoring system. Utilizing variant allele frequency, disease prevalence and penetrance estimates, and inheritance mode, an automated score was calculated to assess if this variant is too frequent to cause the disease. Based on the score and internal cut-off values, a variant classified as benign is not then subjected to further curation. The score for this variant resulted in a classification of benign for this disease.

Breakthrough Genomics
Classification: Benign. Review status: criteria provided, single submitter. Criteria: ACMG Guidelines, 2015. Collection method: not provided. Allele origin: germline. Inheritance: Autosomal recessive inheritance. Affected: yes.

Dr. Peter K. Rogan Lab, Western University
No classification provided (evidence only). Condition: Thyroid cancer, nonmedullary, 1. Review status: no classification provided. Collection method: in vitro. Allele origin: not applicable. Functional consequence: retained intron. Not counted in ClinVar's aggregate classification.

Dr. Peter K. Rogan Lab, Western University
No classification provided (evidence only). Condition: Thyroid cancer, nonmedullary, 1. Review status: no classification provided. Collection method: in vitro. Allele origin: not applicable. Functional consequence: retained intron. Not counted in ClinVar's aggregate classification.

Dr. Peter K. Rogan Lab, Western University
No classification provided (evidence only). Condition: Thyroid cancer, nonmedullary, 1. Review status: no classification provided. Collection method: in vitro. Allele origin: not applicable. Functional consequence: retained intron. Not counted in ClinVar's aggregate classification.

Dr. Peter K. Rogan Lab, Western University
No classification provided (evidence only). Condition: Sarcoma. Review status: no classification provided. Collection method: in vitro. Allele origin: not applicable. Functional consequence: retained intron. Not counted in ClinVar's aggregate classification.

Dr. Peter K. Rogan Lab, Western University
No classification provided (evidence only). Condition: Thymoma. Review status: no classification provided. Collection method: in vitro. Allele origin: not applicable. Functional consequence: retained intron. Not counted in ClinVar's aggregate classification.

Dr. Peter K. Rogan Lab, Western University
No classification provided (evidence only). Condition: Thymoma. Review status: no classification provided. Collection method: in vitro. Allele origin: not applicable. Functional consequence: retained intron. Not counted in ClinVar's aggregate classification.

Dr. Peter K. Rogan Lab, Western University
No classification provided (evidence only). Condition: Cholangiocarcinoma. Review status: no classification provided. Collection method: in vitro. Allele origin: not applicable. Functional consequence: retained intron. Not counted in ClinVar's aggregate classification.

Dr. Peter K. Rogan Lab, Western University
No classification provided (evidence only). Condition: Uterine carcinosarcoma. Review status: no classification provided. Collection method: in vitro. Allele origin: not applicable. Functional consequence: retained intron. Not counted in ClinVar's aggregate classification.

NM_018129.4(PNPO):c.*106A>T

Gene: PNPO (pyridoxamine 5'-phosphate oxidase; plus strand). Cytogenetic location: 17q21.32.
Variant type: single nucleotide variant.
Coding change: c.*106A>T on transcript NM_018129.4 (MANE Select); 106 bases downstream of the stop codon, A replaced by T.
Molecular consequence: 3 prime UTR variant.
Genome position (GRCh38, 1-based): chr17:47,946,888, A>T. VCF-style: chr17-47946888-A-T. GRCh37 (hg19) VCF-style: chr17-46024254-A-T.
Other names: NC_000017.10:g.46024254A>T.
Identifiers: ClinVar variation 323912 (VCV000323912.7), dbSNP rs117508783, ClinGen allele CA10650419.
Genomic context (GRCh38, chr17:47,946,888, plus strand): 5'-GAGAGGGTGTGGGATTGGGACCCAGGCCCTTCTTTCTAAACTCAACCCATTTCCCTCCCT[A>T]CCCCTTATCTTCAGGACTCTTCAGAGCTAATCCTCTAAGTTCTCTGTACTCAGTTGGTTC-3'